The following is an entry in ClinVar:

NM_001277115.2(DNAH11):c.12534A>G (p.Pro4178=)

Gene: DNAH11 (dynein axonemal heavy chain 11; plus strand). Cytogenetic location: 7p15.3.
Variant type: single nucleotide variant.
Coding change: c.12534A>G on transcript NM_001277115.2 (MANE Select); coding-DNA position 12534, A replaced by G.
Protein change: p.Pro4178=; no amino-acid change (proline 4178 retained).
Molecular consequence: synonymous variant.
Genome position (GRCh38, 1-based): chr7:21,892,451, A>G. VCF-style: chr7-21892451-A-G. GRCh37 (hg19) VCF-style: chr7-21932069-A-G.
Identifiers: ClinVar variation 359688 (VCV000359688.18), dbSNP rs752183095, ClinGen allele CA4183120.

ClinVar aggregate classification (germline): Likely benign. Review status: criteria provided, multiple submitters, no conflicts (2 of 4 stars). 3 submissions from 3 submitters: Likely benign (3). Last evaluated 2026-01-12.

Conditions:
Primary ciliary dyskinesia. Also called: Ciliary dyskinesia. Identifiers: Orphanet 244, MedGen C0008780, MONDO:0016575, HP:0012265.
DNAH11-related disorder. Also called: DNAH11-related condition.

Allele frequency attached by ClinVar (database versions not stated): ExAC 0.00005; gnomAD exomes 0.00007; gnomAD 0.00009; TOPMed 0.00010.
gnomAD v4.1: 111 of 1,611,874 alleles (0.0069%); highest among the groups gnomAD compares: Admixed American, 0.053%; no homozygotes.

Submissions (3):

Labcorp Genetics (formerly Invitae), Labcorp
Classification: Likely benign for Primary ciliary dyskinesia. Last evaluated: 2026-01-12. Review status: criteria provided, single submitter. Criteria: Invitae Variant Classification Sherloc (09022015). Collection method: clinical testing. Allele origin: germline.

PreventionGenetics, part of Exact Sciences
Classification: Likely benign for DNAH11-related condition. Last evaluated: 2025-05-01. Review status: criteria provided, single submitter. Criteria: ACMG Guidelines, 2015. Collection method: clinical testing. Allele origin: germline.
Comment: This variant is classified as likely benign based on ACMG/AMP sequence variant interpretation guidelines (Richards et al. 2015 PMID: 25741868, with internal and published modifications).

Blueprint Genetics
Classification: Likely benign. Last evaluated: 2024-11-22. Review status: criteria provided, single submitter. Criteria: ACMG Guidelines, 2015. Collection method: clinical testing. Allele origin: germline.